The following is an entry in ClinVar:

NM_016239.4(MYO15A):c.6046+1G>A

Gene: MYO15A (myosin XVA; plus strand). Cytogenetic location: 17p11.2.
Variant type: single nucleotide variant.
Coding change: c.6046+1G>A on transcript NM_016239.4 (MANE Select); the canonical splice donor site of the intron after coding-DNA position 6046, G replaced by A.
Molecular consequence: splice donor variant.
Genome position (GRCh38, 1-based): chr17:18,143,797, G>A. VCF-style: chr17-18143797-G-A. GRCh37 (hg19) VCF-style: chr17-18047111-G-A.
Identifiers: ClinVar variation 164536 (VCV000164536.26), dbSNP rs201978571, ClinGen allele CA273204.

ClinVar aggregate classification (germline): Pathogenic/Likely pathogenic. Review status: criteria provided, multiple submitters, no conflicts (2 of 4 stars). 9 submissions from 9 submitters: Pathogenic (5); Likely pathogenic (4). Last evaluated 2025-07-30.

Conditions:
MYO15A-related disorder. Also called: MYO15A-related condition.
Rare genetic deafness. Identifiers: Orphanet 96210, MedGen C5680250.
Monogenic hearing loss.
Autosomal recessive nonsyndromic hearing loss 3. Also called: NEUROSENSORY NONSYNDROMIC RECESSIVE DEAFNESS 3. Identifiers: Orphanet 90636, MedGen C1838263, MONDO:0010860, OMIM 600316.

Allele frequency attached by ClinVar (database versions not stated): gnomAD exomes 0.00003 and 0.00010; gnomAD 0.00005; TOPMed 0.00005; ExAC 0.00008; ESP Exome Variant Server 0.00008.
gnomAD v4.1: 148 of 1,582,210 alleles (0.0094%); highest among the groups gnomAD compares: Non-Finnish European, 0.012%; no homozygotes.

Submissions (9):

Genetics Laboratory, Great Ormond Street Hospital NHS Foundation Trust, North Thames Genomic Laboratory Hub
Classification: Pathogenic for Monogenic hearing loss. Last evaluated: 2025-07-30. Review status: criteria provided, single submitter. Criteria: ACGS Best Practice Guidelines for Variant Classification in Rare Disease 2024 v1.2. Collection method: clinical testing. Allele origin: germline. Affected: yes.
Comment: PM2_moderate, PVS1_very-strong

GeneDx
Classification: Pathogenic. Last evaluated: 2025-01-29. Review status: criteria provided, single submitter. Criteria: GeneDx Variant Classification Process June 2021. Collection method: clinical testing. Allele origin: germline. Affected: yes.
Comment: Canonical splice site variant predicted to result in a null allele in a gene for which loss of function is a known mechanism of disease; This variant is associated with the following publications: (PMID: 36555390, 29196752, 36401330, 23208854)

Blueprint Genetics
Classification: Likely pathogenic for MYO15A-related disorders. Last evaluated: 2024-04-17. Review status: criteria provided, single submitter. Criteria: ACMG Guidelines, 2015. Collection method: clinical testing. Allele origin: germline. Affected: yes. Observed: 2 variant alleles.

Labcorp Genetics (formerly Invitae), Labcorp
Classification: Likely pathogenic. Last evaluated: 2024-02-25. Review status: criteria provided, single submitter. Criteria: Invitae Variant Classification Sherloc (09022015). Collection method: clinical testing. Allele origin: germline.
Comment: This sequence change affects a donor splice site in intron 27 of the MYO15A gene. It is expected to disrupt RNA splicing. Variants that disrupt the donor or acceptor splice site typically lead to a loss of protein function (PMID: 16199547), and loss-of-function variants in MYO15A are known to be pathogenic (PMID: 17546645). This variant is present in population databases (rs201978571, gnomAD 0.01%). Disruption of this splice site has been observed in individual(s) with deafness (PMID: 23208854, 29196752). ClinVar contains an entry for this variant (Variation ID: 164536). Algorithms developed to predict the effect of sequence changes on RNA splicing suggest that this variant may disrupt the consensus splice site. In summary, the currently available evidence indicates that the variant is pathogenic, but additional data are needed to prove that conclusively. Therefore, this variant has been classified as Likely Pathogenic.

Department of Pathology and Laboratory Medicine, Sinai Health System
Classification: Likely pathogenic for Autosomal recessive nonsyndromic hearing loss 3. Last evaluated: 2023-01-26. Review status: criteria provided, single submitter. Criteria: ACMG Guidelines, 2015. Collection method: research. Allele origin: germline.

The Shared Resource Centre "Genome", Research Centre for Medical Genetics
Classification: Pathogenic for Autosomal recessive nonsyndromic hearing loss 3. Last evaluated: 2022-11-10. Review status: criteria provided, single submitter. Criteria: ACMG Guidelines, 2015. Collection method: clinical testing. Allele origin: germline. Affected: yes. Observed: 1 variant allele.

Victorian Clinical Genetics Services, Murdoch Childrens Research Institute
Classification: Likely pathogenic for Autosomal recessive nonsyndromic hearing loss 3. Last evaluated: 2021-05-06. Review status: criteria provided, single submitter. Criteria: ACMG Guidelines, 2015. Collection method: clinical testing. Allele origin: germline. Inheritance: Autosomal recessive inheritance. Affected: yes.
Comment: Based on the classification scheme VCGS_Germline_v1.3.4, this variant is classified as Likely Pathogenic. Following criteria are met: 0102 - Loss of function is a known mechanism of disease in this gene and is associated with deafness autosomal recessive (MIM#600316). (I) 0106 - This gene is associated with autosomal recessive disease. (I) 0211 - Canonical splice site variant without proven consequence on splicing (no functional evidence available). (SP) 0251 - This variant is heterozygous. (I) 0304 - Variant is present in gnomAD <0.01 for a recessive condition (v3: 7 heterozygotes, 0 homozygotes). (SP) 0505 - Abnormal splicing is predicted by in silico tools and affected nucleotide is highly conserved. (SP) 0705 - No comparable splice site variants have previous evidence for pathogenicity. (I) 0802 - This variant has moderate previous evidence of pathogenicity in unrelated individuals. It has been reported at least three individuals with hearing impairment, although in one of these individuals, the second variant remains unknown. It has also been classified as pathogenic by a diagnostic laboratory in ClinVar (PMID: 23208854, 29196752). (SP) 0905 - No published segregation evidence has been identified for this variant. (I) 1007 - No published functional evidence has been identified for this variant. (I) 1208 - Inheritance information for this variant is not currently available in this individual. (I) Legend: (SP) - Supporting pathogenic, (I) - Information, (SB) - Supporting benign

Center of Genomic medicine, Geneva, University Hospital of Geneva
Classification: Pathogenic for Autosomal recessive nonsyndromic hearing loss 3. Last evaluated: 2021-03-23. Review status: criteria provided, single submitter. Criteria: ACMG Guidelines, 2015. Collection method: clinical testing. Allele origin: inherited. Affected: yes. Observed: 1 variant allele.

Laboratory for Molecular Medicine, Mass General Brigham Personalized Medicine
Classification: Pathogenic for Rare genetic deafness. Last evaluated: 2014-10-17. Review status: criteria provided, single submitter. Criteria: LMM Criteria. Collection method: clinical testing. Allele origin: germline. Inheritance: Autosomal recessive inheritance. Observed: 1 variant allele.
Comment: This variant has also been identified in 1/8431 European American chro mosomes by the NHLBI Exome Sequencing Project (dbSNP rs201978571). Although this variant has been seen in the general populat ion, its frequency is low enough to be consistent with a recessive carrier frequ ency. The c.6046+1G>A variant occurs in the invariant region (+ 1/2) of the 5' s plice site consensus sequence and is predicted to cause altered splicing leading to an abnormal or absent protein. In summary, this variant meets our criteria t o be classified as pathogenic for sensorineural hearing loss in an autosomal rec essive manner.

Literature cited by the submitters: PubMed 16199547 (cited by Labcorp Genetics (formerly Invitae), Labcorp); PubMed 17546645 (cited by Labcorp Genetics (formerly Invitae), Labcorp); PubMed 23208854 (cited by 3 submitters); PubMed 29196752 (cited by Labcorp Genetics (formerly Invitae), Labcorp and Victorian Clinical Genetics Services, Murdoch Childrens Research Institute).